The following is an entry in ClinVar:

ClinVar aggregate classification (germline): Uncertain significance. Review status: criteria provided, multiple submitters, no conflicts (2 of 4 stars). 5 submissions from 5 submitters: Uncertain significance (5). Last evaluated 2023-02-15.

Conditions:
Glycogen storage disease, type II (IOPD). Also called: Glycogen storage disease type 2; Acid maltase deficiency disease; Aglucosidase alfa; Deficiency of alpha-glucosidase; Deficiency of lysosomal alpha-glucosidase; Glucosidase acid-1,4-alpha deficiency. Identifiers: Orphanet 365, MedGen C0017921, MONDO:0009290, OMIM 232300.
Cardiovascular phenotype. Identifiers: MedGen CN230736.

Allele frequency attached by ClinVar (database versions not stated): gnomAD exomes below 0.00001 and 0.00001.
gnomAD v4.1: 3 of 1,613,238 alleles (0.00019%); highest among the groups gnomAD compares: East Asian, 0.0067%; no homozygotes.

Submissions (5):

Ambry Genetics
Classification: Uncertain significance for Cardiovascular phenotype. Last evaluated: 2023-02-15. Review status: criteria provided, single submitter. Criteria: Ambry Variant Classification Scheme 2023. Collection method: clinical testing. Allele origin: germline.
Comment: The p.S249P variant (also known as c.745T>C), located in coding exon 3 of the GAA gene, results from a T to C substitution at nucleotide position 745. The serine at codon 249 is replaced by proline, an amino acid with similar properties. This amino acid position is well conserved in available vertebrate species. In addition, this alteration is predicted to be deleterious by in silico analysis. Since supporting evidence is limited at this time, the clinical significance of this alteration remains unclear.

Revvity Omics, Revvity
Classification: Uncertain significance. Last evaluated: 2022-04-08. Review status: criteria provided, single submitter. Criteria: ACMG Guidelines, 2015. Collection method: clinical testing. Allele origin: germline.

Genome-Nilou Lab
Classification: Uncertain significance for Glycogen storage disease, type II. Last evaluated: 2021-09-05. Review status: criteria provided, single submitter. Criteria: ACMG Guidelines, 2015. Collection method: clinical testing. Allele origin: germline. Affected: no.

Labcorp Genetics (formerly Invitae), Labcorp
Classification: Uncertain significance for Glycogen storage disease, type II. Last evaluated: 2021-08-31. Review status: criteria provided, single submitter. Criteria: Invitae Variant Classification Sherloc (09022015). Collection method: clinical testing. Allele origin: germline.
Comment: This sequence change replaces serine with proline at codon 249 of the GAA protein (p.Ser249Pro). The serine residue is moderately conserved and there is a moderate physicochemical difference between serine and proline. This variant is not present in population databases (ExAC no frequency). This variant has not been reported in the literature in individuals affected with GAA-related conditions. Algorithms developed to predict the effect of missense changes on protein structure and function are either unavailable or do not agree on the potential impact of this missense change (SIFT: "Tolerated"; PolyPhen-2: "Possibly Damaging"; Align-GVGD: "Class C0"). In summary, the available evidence is currently insufficient to determine the role of this variant in disease. Therefore, it has been classified as a Variant of Uncertain Significance.

GeneDx
Classification: Uncertain significance. Last evaluated: 2019-09-09. Review status: criteria provided, single submitter. Criteria: GeneDx Variant Classification Process June 2021. Collection method: clinical testing. Allele origin: germline. Affected: yes.
Comment: Not observed at a significant frequency in large population cohorts (Lek et al., 2016); In silico analysis, which includes protein predictors and evolutionary conservation, supports a deleterious effect; Has not been previously published as pathogenic or benign to our knowledge

NM_000152.5(GAA):c.745T>C (p.Ser249Pro)

Gene: GAA (alpha glucosidase; plus strand). Cytogenetic location: 17q25.3.
Variant type: single nucleotide variant.
Coding change: c.745T>C on transcript NM_000152.5 (MANE Select); coding-DNA position 745, T replaced by C.
Protein change: p.Ser249Pro; replaces serine 249 with proline.
Molecular consequence: missense variant.
Genome position (GRCh38, 1-based): chr17:80,107,609, T>C. VCF-style: chr17-80107609-T-C. GRCh37 (hg19) VCF-style: chr17-78081408-T-C.
Other names: c.745T>C (LRG_673t1); c.745T>C, p.Ser249Pro (NM_001079803.3, NM_001079804.3); short protein forms S249P.
Identifiers: ClinVar variation 582864 (VCV000582864.13), dbSNP rs1386718298, ClinGen allele CA401363271.